The following is an entry in ClinVar:

ClinVar aggregate classification (germline): Pathogenic/Likely pathogenic. Review status: criteria provided, multiple submitters, no conflicts (2 of 4 stars). 2 submissions from 2 submitters: Pathogenic (1); Likely pathogenic (1). Last evaluated 2025-02-09.

Conditions:
Supravalvar aortic stenosis (SVAS). Also called: Supravalvar aortic stenosis, Eisenberg type. Identifiers: Orphanet 3193, MedGen C0003499, MONDO:0008504, OMIM 185500, HP:0004381.

Submissions (2):

Labcorp Genetics (formerly Invitae), Labcorp
Classification: Pathogenic for Supravalvar aortic stenosis. Last evaluated: 2025-02-09. Review status: criteria provided, single submitter. Criteria: Invitae Variant Classification Sherloc (09022015). Collection method: clinical testing. Allele origin: germline.
Comment: This sequence change affects a donor splice site in intron 16 of the ELN gene. It is expected to disrupt RNA splicing. Variants that disrupt the donor or acceptor splice site typically lead to a loss of protein function (PMID: 16199547), and loss-of-function variants in ELN are known to be pathogenic (PMID: 11175284). This variant is not present in population databases (gnomAD no frequency). Disruption of this splice site has been observed in individuals with supravalvular aortic stenosis (internal data). ClinVar contains an entry for this variant (Variation ID: 418181). Algorithms developed to predict the effect of sequence changes on RNA splicing suggest that this variant may disrupt the consensus splice site. For these reasons, this variant has been classified as Pathogenic.

GeneDx
Classification: Likely pathogenic. Last evaluated: 2020-12-09. Review status: criteria provided, single submitter. Criteria: GeneDx Variant Classification Process June 2021. Collection method: clinical testing. Allele origin: germline. Affected: yes.
Comment: Canonical splice site variant expected to result in aberrant splicing, although in the absence of functional evidence the actual effect of this sequence change is unknown.; Not observed in large population cohorts (Lek et al., 2016); Has not been previously published as pathogenic or benign to our knowledge

Literature cited by the submitters: PubMed 16199547 (cited by Labcorp Genetics (formerly Invitae), Labcorp); PubMed 11175284 (cited by Labcorp Genetics (formerly Invitae), Labcorp).

NM_000501.4(ELN):c.889+1G>A

Gene: ELN (elastin; plus strand). Cytogenetic location: 7q11.23.
Variant type: single nucleotide variant.
Coding change: c.889+1G>A on transcript NM_000501.4 (MANE Select); the canonical splice donor site of the intron after coding-DNA position 889, G replaced by A.
Molecular consequence: splice donor variant.
Genome position (GRCh38, 1-based): chr7:74,051,840, G>A. VCF-style: chr7-74051840-G-A. GRCh37 (hg19) VCF-style: chr7-73466170-G-A.
Other names: c.904+1G>A (NM_001081754.3, NM_001081753.3); c.889+1G>A (NM_001278939.2, NM_001278915.2, NM_001278912.2 and 1 more transcripts); c.847+1G>A (NM_001278916.2); c.781+1G>A (NM_001278913.2); c.874+1G>A (NM_001278914.2); c.859+1G>A (NM_001278917.2, NM_001081752.3); c.757+1G>A (NM_001278918.2).
Identifiers: ClinVar variation 418181 (VCV000418181.4), dbSNP rs782238674, ClinGen allele CA16618558.